The following is an entry in ClinVar:

ClinVar aggregate classification (germline): Uncertain significance (1 of 4 stars; one submission).

Conditions:
Developmental delay with variable intellectual impairment and behavioral abnormalities. Identifiers: MedGen C5193092, MONDO:0032745, OMIM 618430.

Submission:

Laboratorio de Genetica e Diagnostico Molecular, Hospital Israelita Albert Einstein
Classification: Uncertain significance for Developmental delay with variable intellectual impairment and behavioral abnormalities. Last evaluated: 2022-05-13. Review status: criteria provided, single submitter. Criteria: ACMG Guidelines, 2015. Collection method: clinical testing. Allele origin: germline. Affected: yes. Observed: 1 variant allele.
Comment: ACMG classification criteria: PM2 moderated, BP4 supporting

NM_001378418.1(TCF20):c.146G>C (p.Gly49Ala)

Gene: TCF20 (transcription factor 20; minus strand). Cytogenetic location: 22q13.2.
Variant type: single nucleotide variant.
Coding change: c.146G>C on transcript NM_001378418.1 (MANE Select); coding-DNA position 146, G replaced by C.
Protein change: p.Gly49Ala; replaces glycine 49 with alanine.
Molecular consequence: missense variant.
Genome position (GRCh38, 1-based): chr22:42,215,160, C>G on the plus strand (G>C on the coding strand, the complement: TCF20 is on the minus strand). VCF-style: chr22-42215160-C-G. GRCh37 (hg19) VCF-style: chr22-42611166-C-G.
Other names: c.146G>C, p.Gly49Ala (NM_005650.4, NM_181492.3); short protein forms G49A.
Identifiers: ClinVar variation 2431584 (VCV002431584.1), dbSNP rs2518249031, ClinGen allele CA411793623.